The following is an entry in ClinVar:

ClinVar aggregate classification (germline): Uncertain significance (1 of 4 stars; one submission).

Conditions:
Dilated cardiomyopathy 1DD (CMD1DD). Identifiers: Orphanet 154, MedGen C2750995, MONDO:0013168, OMIM 613172.

Allele frequency attached by ClinVar (database versions not stated): gnomAD exomes 0.00001.

Submission:

Labcorp Genetics (formerly Invitae), Labcorp
Classification: Uncertain significance for Dilated cardiomyopathy 1DD. Last evaluated: 2023-11-11. Review status: criteria provided, single submitter. Criteria: Invitae Variant Classification Sherloc (09022015). Collection method: clinical testing. Allele origin: germline.
Comment: This sequence change replaces glycine, which is neutral and non-polar, with glutamic acid, which is acidic and polar, at codon 1151 of the RBM20 protein (p.Gly1151Glu). This variant is present in population databases (no rsID available, gnomAD 0.002%). This variant has not been reported in the literature in individuals affected with RBM20-related conditions. ClinVar contains an entry for this variant (Variation ID: 1396267). An algorithm developed to predict the effect of missense changes on protein structure and function (PolyPhen-2) suggests that this variant is likely to be disruptive. In summary, the available evidence is currently insufficient to determine the role of this variant in disease. Therefore, it has been classified as a Variant of Uncertain Significance.

NM_001134363.3(RBM20):c.3452G>A (p.Gly1151Glu)

Gene: RBM20 (RNA binding motif protein 20; plus strand). Cytogenetic location: 10q25.2.
Variant type: single nucleotide variant.
Coding change: c.3452G>A on transcript NM_001134363.3 (MANE Select); coding-DNA position 3452, G replaced by A.
Protein change: p.Gly1151Glu; replaces glycine 1151 with glutamic acid.
Molecular consequence: missense variant.
Genome position (GRCh38, 1-based): chr10:110,831,061, G>A. VCF-style: chr10-110831061-G-A. GRCh37 (hg19) VCF-style: chr10-112590819-G-A.
Other names: short protein forms G1151E.
Identifiers: ClinVar variation 1396267 (VCV001396267.8), dbSNP rs1185476843, ClinGen allele CA378386317.